The following is an entry in ClinVar:

NM_001371727.1(GABRB2):c.754C>A (p.Pro252Thr)

Gene: GABRB2 (gamma-aminobutyric acid type A receptor subunit beta2; minus strand). Cytogenetic location: 5q34.
Variant type: single nucleotide variant.
Coding change: c.754C>A on transcript NM_001371727.1 (MANE Select); coding-DNA position 754, C replaced by A.
Protein change: p.Pro252Thr; replaces proline 252 with threonine.
Molecular consequence: missense variant.
Genome position (GRCh38, 1-based): chr5:161,334,830, G>T on the plus strand (C>A on the coding strand, the complement: GABRB2 is on the minus strand). VCF-style: chr5-161334830-G-T. GRCh37 (hg19) VCF-style: chr5-160761837-G-T.
Other names: c.754C>A, p.Pro252Thr (NM_000813.3, NM_021911.3); short protein forms P252T.
Identifiers: ClinVar variation 973184 (VCV000973184.3), dbSNP rs869312861, ClinGen allele CA362171639.

ClinVar aggregate classification (germline): Likely pathogenic (1 of 4 stars; one submission).

Conditions:
Developmental and epileptic encephalopathy 92. Also called: EPILEPTIC ENCEPHALOPATHY, INFANTILE OR EARLY CHILDHOOD, 2. Identifiers: MedGen C4693362, MONDO:0020631, OMIM 617829.

Submission:

3billion
Classification: Likely pathogenic for Developmental and epileptic encephalopathy 92. Last evaluated: 2021-10-02. Review status: criteria provided, single submitter. Criteria: ACMG Guidelines, 2015. Collection method: clinical testing. Allele origin: unknown. Affected: yes. Observed: 1 heterozygote.
Comment: It is not observed in the gnomAD v2.1.1 dataset (PM2). A different missense change at the same codon (p.Pro252Ala) has been reported as pathogenic/likely pathogenic (VCV000224810.1, PM5). Missense changes are a common disease-causing mechanism (PP2). In silico tool predictions suggest damaging effect of the variant on gene or gene product (REVEL: 0.967, 3Cnet: 0.997, PP3). Therefore, this variant is classified as likely pathogenic according to the recommendation of ACMG/AMP guideline.